The following is an entry in ClinVar:

NM_004618.5(TOP3A):c.432G>T (p.Val144=)

Gene: TOP3A (DNA topoisomerase III alpha; minus strand). Cytogenetic location: 17p11.2.
Variant type: single nucleotide variant.
Coding change: c.432G>T on transcript NM_004618.5 (MANE Select); coding-DNA position 432, G replaced by T.
Protein change: p.Val144=; no amino-acid change (valine 144 retained).
Molecular consequence: synonymous variant.
Genome position (GRCh38, 1-based): chr17:18,305,179, C>A on the plus strand (G>T on the coding strand, the complement: TOP3A is on the minus strand). VCF-style: chr17-18305179-C-A. GRCh37 (hg19) VCF-style: chr17-18208493-C-A.
Other names: p.Val144=; c.147G>T, p.Val49= (NM_001320759.2).
Identifiers: ClinVar variation 781348 (VCV000781348.13), dbSNP rs28684992, ClinGen allele CA8430221.

ClinVar aggregate classification (germline): Benign. Review status: criteria provided, multiple submitters, no conflicts (2 of 4 stars). 4 submissions from 4 submitters: Benign (3). 1 of the submissions does not count toward it. Last evaluated 2026-01-27.

Conditions:
TOP3A-related disorder. Also called: TOP3A-related disorders; TOP3A-related condition.

Allele frequency attached by ClinVar (database versions not stated): gnomAD exomes 0.00479 and 0.00864; gnomAD 0.02777 and 0.02606; 1000 Genomes Project 0.02975; TOPMed 0.02999; ExAC 0.00980; ESP Exome Variant Server 0.03122; 1000 Genomes Project 30x 0.03123.
gnomAD v4.1: 11,178 of 1,614,130 alleles (0.69%); highest among the groups gnomAD compares: African/African-American, 8.4%; 299 homozygotes.

Submissions (4):

Labcorp Genetics (formerly Invitae), Labcorp
Classification: Benign. Last evaluated: 2026-01-27. Review status: criteria provided, single submitter. Criteria: Invitae Variant Classification Sherloc (09022015). Collection method: clinical testing. Allele origin: germline.

Mayo Clinic Laboratories, Mayo Clinic
Classification: Benign. Last evaluated: 2022-12-16. Review status: criteria provided, single submitter. Criteria: ACMG Guidelines, 2015. Collection method: clinical testing. Allele origin: germline. Observed: 7 variant alleles.

Breakthrough Genomics
Classification: Benign. Review status: criteria provided, single submitter. Criteria: ACMG Guidelines, 2015. Collection method: not provided. Allele origin: germline. Inheritance: Autosomal recessive inheritance. Affected: yes.

PreventionGenetics, part of Exact Sciences
Classification: Benign for TOP3A-related condition. Last evaluated: 2019-05-08. Review status: no assertion criteria provided. Collection method: clinical testing. Allele origin: germline. Not counted in ClinVar's aggregate classification.
Comment: This variant is classified as benign based on ACMG/AMP sequence variant interpretation guidelines (Richards et al. 2015 PMID: 25741868, with internal and published modifications).